The following is an entry in ClinVar:

NM_006080.3(SEMA3A):c.1524G>A (p.Gly508=)

Gene: SEMA3A (semaphorin 3A; minus strand). Cytogenetic location: 7q21.11.
Variant type: single nucleotide variant.
Coding change: c.1524G>A on transcript NM_006080.3 (MANE Select); coding-DNA position 1524, G replaced by A.
Protein change: p.Gly508=; no amino-acid change (glycine 508 retained).
Molecular consequence: synonymous variant.
Genome position (GRCh38, 1-based): chr7:83,981,449, C>T on the plus strand (G>A on the coding strand, the complement: SEMA3A is on the minus strand). VCF-style: chr7-83981449-C-T. GRCh37 (hg19) VCF-style: chr7-83610765-C-T.
Identifiers: ClinVar variation 3351102 (VCV003351102.1).

ClinVar aggregate classification (germline): Likely benign (0 of 4 stars; one submission).

Conditions:
SEMA3A-related disorder. Also called: SEMA3A-related condition.

gnomAD v4.1: 7 of 1,612,590 alleles (0.00043%); highest among the groups gnomAD compares: African/African-American, 0.0093%; no homozygotes.

Submission:

PreventionGenetics, part of Exact Sciences
Classification: Likely benign for SEMA3A-related condition. Last evaluated: 2024-01-18. Review status: no assertion criteria provided. Collection method: clinical testing. Allele origin: germline.
Comment: This variant is classified as likely benign based on ACMG/AMP sequence variant interpretation guidelines (Richards et al. 2015 PMID: 25741868, with internal and published modifications).